The following is an entry in ClinVar:

NM_007294.4(BRCA1):c.4986+2T>G

Gene: BRCA1 (BRCA1 DNA repair associated; minus strand). Cytogenetic location: 17q21.31.
Variant type: single nucleotide variant.
Coding change: c.4986+2T>G on transcript NM_007294.4 (MANE Select); the canonical splice donor site of the intron after coding-DNA position 4986, T replaced by G.
Molecular consequence: splice donor variant. On other transcripts: intron variant (1).
Genome position (GRCh38, 1-based): chr17:43,070,926, A>C on the plus strand (T>G on the coding strand, the complement: BRCA1 is on the minus strand). VCF-style: chr17-43070926-A-C. GRCh37 (hg19) VCF-style: chr17-41222943-A-C.
Other names: c.4719+2T>G (NM_001407927.1, NM_001407929.1, NM_001407931.1 and 4 more transcripts); c.4722+2T>G (NM_001407923.1, NM_001407924.1, NM_001407922.1 and 4 more transcripts); c.4842+2T>G (NM_001407739.1, NM_001407744.1, NM_001407750.1 and 21 more transcripts); c.4845+2T>G (NM_001407725.1, NM_001407727.1, NM_001407729.1 and 13 more transcripts); c.1557+2T>G (NM_001408422.1, NM_001408424.1, NM_001408421.1 and 1 more transcripts); c.4773+2T>G (NM_001407896.1, NM_001407900.1, NM_001407571.1 and 12 more transcripts); c.4650+2T>G (NM_001407952.1, NM_001407950.1, NM_001407955.1 and 3 more transcripts); c.4839+2T>G (NM_001407841.1, NM_001407853.1, NM_001407849.1 and 12 more transcripts); and 71 more.
Identifiers: ClinVar variation 868480 (VCV000868480.3), dbSNP rs397509210, ClinGen allele CA10591548.

Conditions:
Breast-ovarian cancer, familial, susceptibility to, 1 (BROVCA1). Also called: BRCA1 Hereditary Breast and Ovarian Cancer; OVARIAN CANCER, SUSCEPTIBILITY TO. Identifiers: Orphanet 145, MedGen C2676676, MONDO:0011450, OMIM 604370. Disease mechanism: loss of function.

Submission:

Brotman Baty Institute, University of Washington
No classification provided (evidence only). Condition: Breast-ovarian cancer, familial 1. Review status: no classification provided. Collection method: in vitro. Allele origin: not applicable. Functional consequence: functionally_abnormal.
ClinVar note: "not provided" was previously submitted as the classification for the variant. However, the classification appeared to be based only on an observation of functional data so it was converted to no classification on 2025-07-30.